The following is an entry in ClinVar:

ClinVar aggregate classification (germline): Uncertain significance (1 of 4 stars; one submission).

Submission:

GeneDx
Classification: Uncertain significance. Last evaluated: 2024-08-05. Review status: criteria provided, single submitter. Criteria: GeneDx Variant Classification Process June 2021. Collection method: clinical testing. Allele origin: germline. Affected: yes.
Comment: Not observed at significant frequency in large population cohorts (gnomAD); In silico analysis supports that this missense variant has a deleterious effect on protein structure/function; Has not been previously published as pathogenic or benign to our knowledge; Variants in candidate genes are classified as variants of uncertain significance in accordance with ACMG guidelines (PMID: 25741868)

NM_012433.4(SF3B1):c.3253G>A (p.Ala1085Thr)

Gene: SF3B1 (splicing factor 3b subunit 1; minus strand). Cytogenetic location: 2q33.1.
Variant type: single nucleotide variant.
Coding change: c.3253G>A on transcript NM_012433.4 (MANE Select); coding-DNA position 3253, G replaced by A.
Protein change: p.Ala1085Thr; replaces alanine 1085 with threonine.
Molecular consequence: missense variant.
Genome position (GRCh38, 1-based): chr2:197,397,998, C>T on the plus strand (G>A on the coding strand, the complement: SF3B1 is on the minus strand). VCF-style: chr2-197397998-C-T. GRCh37 (hg19) VCF-style: chr2-198262722-C-T.
Other names: short protein forms A1085T.
Identifiers: ClinVar variation 4755767 (VCV004755767.1).